The following is an entry in ClinVar:

ClinVar aggregate classification (germline): Uncertain significance (1 of 4 stars; one submission).

Conditions:
Menkes kinky-hair syndrome (MNK). Also called: Classic Menkes Disease; Copper transport disease; Menkes Disease. Identifiers: Orphanet 565, MedGen C0022716, MONDO:0010651, OMIM 309400.
Cutis laxa, X-linked (OHS). Also called: EDS IX; Occipital horn syndrome. Identifiers: Orphanet 198, MedGen C0268353, MONDO:0010572, OMIM 304150.
X-linked distal spinal muscular atrophy type 3. Also called: ATP7A-Related Distal Motor Neuropathy; SPINAL MUSCULAR ATROPHY, DISTAL, X-LINKED RECESSIVE; NEURONOPATHY, DISTAL HEREDITARY MOTOR, X-LINKED; NEUROPATHY, DISTAL HEREDITARY MOTOR, X-LINKED. Identifiers: Orphanet 139557, MedGen C1845359, MONDO:0010338, OMIM 300489.

Allele frequency attached by ClinVar (database versions not stated): gnomAD exomes below 0.00001.
gnomAD v4.1: 1 of 1,191,133 alleles (0.000084%); highest among the groups gnomAD compares: Non-Finnish European, 0.00011%; no homozygotes.

Submission:

Labcorp Genetics (formerly Invitae), Labcorp
Classification: Uncertain significance for X-linked distal spinal muscular atrophy type 3; Cutis laxa, X-linked; Menkes kinky-hair syndrome. Last evaluated: 2024-01-05. Review status: criteria provided, single submitter. Criteria: Invitae Variant Classification Sherloc (09022015). Collection method: clinical testing. Allele origin: germline.
Comment: This sequence change replaces leucine, which is neutral and non-polar, with phenylalanine, which is neutral and non-polar, at codon 831 of the ATP7A protein (p.Leu831Phe). This variant is not present in population databases (gnomAD no frequency). This variant has not been reported in the literature in individuals affected with ATP7A-related conditions. Advanced modeling of protein sequence and biophysical properties (such as structural, functional, and spatial information, amino acid conservation, physicochemical variation, residue mobility, and thermodynamic stability) performed at Invitae indicates that this missense variant is not expected to disrupt ATP7A protein function with a negative predictive value of 95%. In summary, the available evidence is currently insufficient to determine the role of this variant in disease. Therefore, it has been classified as a Variant of Uncertain Significance.

NM_000052.7(ATP7A):c.2491C>T (p.Leu831Phe)

Gene: ATP7A (ATPase copper transporting alpha; plus strand). Cytogenetic location: Xq21.1.
Variant type: single nucleotide variant.
Coding change: c.2491C>T on transcript NM_000052.7 (MANE Select); coding-DNA position 2491, C replaced by T.
Protein change: p.Leu831Phe; replaces leucine 831 with phenylalanine.
Molecular consequence: missense variant.
Genome position (GRCh38, 1-based): chrX:78,014,746, C>T. VCF-style: chrX-78014746-C-T. GRCh37 (hg19) VCF-style: chrX-77270243-C-T.
Other names: c.2257C>T, p.Leu753Phe (NM_001282224.2); short protein forms L753F, L831F.
Identifiers: ClinVar variation 2953782 (VCV002953782.3), dbSNP rs936589739, ClinGen allele CA413600129.